The following is an entry in ClinVar:

ClinVar aggregate classification (germline): Pathogenic (1 of 4 stars; one submission).

Submission:

Labcorp Genetics (formerly Invitae), Labcorp
Classification: Pathogenic. Last evaluated: 2021-01-20. Review status: criteria provided, single submitter. Criteria: Invitae Variant Classification Sherloc (09022015). Collection method: clinical testing. Allele origin: germline.
Comment: For these reasons, this variant has been classified as Pathogenic. This variant has not been reported in the literature in individuals with ABCB11-related conditions. This variant is a gross deletion of the genomic region encompassing exon(s) 17-18 of the ABCB11 gene. This deletion is out-of-frame, and is expected to create a premature translational stop signal and result in an absent or disrupted protein product. Loss-of-function variants in ABCB11 are known to be pathogenic (PMID: 18395098, 20232290).

Literature cited by the submitters: PubMed 18395098; PubMed 20232290.

NC_000002.11:g.(?_169820706)_(169825010_?)del

Gene: ABCB11 (ATP binding cassette subfamily B member 11; minus strand). Cytogenetic location: 2q31.1.
Variant type: Deletion.
Identifiers: ClinVar variation 1458203 (VCV001458203.6).